The following is an entry in ClinVar:

NM_018979.4(WNK1):c.7026C>T (p.Gly2342=)

Gene: WNK1 (WNK lysine deficient protein kinase 1; plus strand). Cytogenetic location: 12p13.33.
Variant type: single nucleotide variant.
Coding change: c.7026C>T on transcript NM_018979.4 (MANE Select); coding-DNA position 7026, C replaced by T.
Protein change: p.Gly2342=; no amino-acid change (glycine 2342 retained).
Molecular consequence: synonymous variant.
Genome position (GRCh38, 1-based): chr12:908,669, C>T. VCF-style: chr12-908669-C-T. GRCh37 (hg19) VCF-style: chr12-1017835-C-T.
Other names: p.Gly2594=; c.7806C>T, p.Gly2602= (NM_001184985.2); c.6282C>T, p.Gly2094= (NM_014823.3); c.7782C>T, p.Gly2594= (NM_213655.5).
Identifiers: ClinVar variation 4683701 (VCV004683701.1).

ClinVar aggregate classification (germline): Likely benign (1 of 4 stars; one submission).

Submission:

Mayo Clinic Laboratories, Mayo Clinic
Classification: Likely benign. Last evaluated: 2025-02-18. Review status: criteria provided, single submitter. Criteria: ACMG Guidelines, 2015. Collection method: clinical testing. Allele origin: germline. Observed: 1 variant allele.
Comment: BP4, BP7